The following is an entry in ClinVar:

NM_006767.4(LZTR1):c.1621G>A (p.Val541Met)

Gene: LZTR1 (leucine zipper like post translational regulator 1; plus strand). Cytogenetic location: 22q11.21.
Variant type: single nucleotide variant.
Coding change: c.1621G>A on transcript NM_006767.4 (MANE Select); coding-DNA position 1621, G replaced by A.
Protein change: p.Val541Met; replaces valine 541 with methionine.
Molecular consequence: missense variant.
Genome position (GRCh38, 1-based): chr22:20,994,563, G>A. VCF-style: chr22-20994563-G-A. GRCh37 (hg19) VCF-style: chr22-21348852-G-A.
Other names: short protein forms V541M.
Identifiers: ClinVar variation 452511 (VCV000452511.10), dbSNP rs1009167232, ClinGen allele CA322269683.

ClinVar aggregate classification (germline): Uncertain significance. Review status: criteria provided, multiple submitters, no conflicts (2 of 4 stars). 3 submissions from 3 submitters: Uncertain significance (3). Last evaluated 2025-12-22.

Conditions:
Hereditary cancer-predisposing syndrome. Also called: Hereditary Cancer Syndrome; Hereditary neoplastic syndrome; Neoplastic Syndromes, Hereditary; Tumor predisposition. Identifiers: Orphanet 140162, MedGen C0027672, MeSH D009386, MONDO:0015356.
Cardiovascular phenotype. Identifiers: MedGen CN230736.

Allele frequency attached by ClinVar (database versions not stated): gnomAD exomes below 0.00001; TOPMed below 0.00001; gnomAD 0.00001.
gnomAD v4.1: 3 of 1,609,708 alleles (0.00019%); highest among the groups gnomAD compares: East Asian, 0.0022%; no homozygotes.

Submissions (3):

Labcorp Genetics (formerly Invitae), Labcorp
Classification: Uncertain significance. Last evaluated: 2025-12-22. Review status: criteria provided, single submitter. Criteria: Invitae Variant Classification Sherloc (09022015). Collection method: clinical testing. Allele origin: germline.
Comment: This sequence change replaces valine, which is neutral and non-polar, with methionine, which is neutral and non-polar, at codon 541 of the LZTR1 protein (p.Val541Met). This variant is not present in population databases (gnomAD no frequency). This variant has not been reported in the literature in individuals affected with LZTR1-related conditions. ClinVar contains an entry for this variant (Variation ID: 452511). Invitae Evidence Modeling of protein sequence and biophysical properties (such as structural, functional, and spatial information, amino acid conservation, physicochemical variation, residue mobility, and thermodynamic stability) indicates that this missense variant is not expected to disrupt LZTR1 protein function with a negative predictive value of 80%. In summary, the available evidence is currently insufficient to determine the role of this variant in disease. Therefore, it has been classified as a Variant of Uncertain Significance.

Ambry Genetics
Classification: Uncertain significance for Cardiovascular phenotype; Hereditary cancer-predisposing syndrome. Last evaluated: 2024-08-26. Review status: criteria provided, single submitter. Criteria: Ambry Variant Classification Scheme 2023. Collection method: clinical testing. Allele origin: germline.
Comment: The p.V541M variant (also known as c.1621G>A), located in coding exon 15 of the LZTR1 gene, results from a G to A substitution at nucleotide position 1621. The valine at codon 541 is replaced by methionine, an amino acid with highly similar properties. This amino acid position is conserved. In addition, the in silico prediction for this alteration is inconclusive. Since supporting evidence is limited at this time, the clinical significance of this alteration remains unclear.

GeneDx
Classification: Uncertain significance. Last evaluated: 2023-04-03. Review status: criteria provided, single submitter. Criteria: GeneDx Variant Classification Process June 2021. Collection method: clinical testing. Allele origin: germline. Affected: yes.
Comment: Not observed at significant frequency in large population cohorts (gnomAD); In silico analysis supports that this missense variant does not alter protein structure/function; Has not been previously published as pathogenic or benign to our knowledge